The following is an entry in ClinVar:

ClinVar aggregate classification (germline): Likely pathogenic (1 of 4 stars; one submission).

Conditions:
Hearing loss, X-linked 6. Also called: Deafness, X-linked 6. Identifiers: Orphanet 90625, MedGen C3806737, MONDO:0010484, OMIM 300914.

Submission:

Laboratory of Prof. Karen Avraham, Tel Aviv University
Classification: Likely pathogenic for Hearing loss, X-linked 6. Last evaluated: 2024-09-18. Review status: criteria provided, single submitter. Criteria: ACMG Guidelines, 2015. Collection method: research. Allele origin: germline. Affected: yes. Observed: 2 variant alleles.
Comment: The c.2281G>A:p.(Gly761Ser) variant is very rare and predicted deleterious by most prediction programs. It was detected in CIS with the c.1384G>A:p.(Glu462Lys) variant in two unrelated patients with a sloping audiogram, normal-to-severe hearing loss. According to ClinVar SCV004459188.1, advanced protein modeling performed by Invitae indicated that the c.2281G>A:p.(Gly761Ser) missense variant is expected to disrupt COL4A6 protein function. Since XLD mutations are known in this gene (PMID: 8587250, 8608415), and as we detected the variants in two hearing impaired probands, we concluded 'Likely pathogenic'.

NM_033641.4(COL4A6):c.[1384G>A;2230G>A]

Variant type: Haplotype.
Identifiers: ClinVar variation 3358929 (VCV003358929.1).